The following is an entry in ClinVar:

ClinVar aggregate classification (germline): Uncertain significance (1 of 4 stars; one submission).

Conditions:
Baller-Gerold syndrome (BGS). Also called: CRANIOSYNOSTOSIS WITH RADIAL DEFECTS. Identifiers: Orphanet 1225, MedGen C0265308, MONDO:0009039, OMIM 218600.

Submission:

Labcorp Genetics (formerly Invitae), Labcorp
Classification: Uncertain significance for Baller-Gerold syndrome. Last evaluated: 2023-09-11. Review status: criteria provided, single submitter. Criteria: Invitae Variant Classification Sherloc (09022015). Collection method: clinical testing. Allele origin: germline.
Comment: In summary, the available evidence is currently insufficient to determine the role of this variant in disease. Therefore, it has been classified as a Variant of Uncertain Significance. Algorithms developed to predict the effect of missense changes on protein structure and function output the following: SIFT: "Not Available"; PolyPhen-2: "Not Available"; Align-GVGD: "Not Available". The glutamine amino acid residue is found in multiple mammalian species, which suggests that this missense change does not adversely affect protein function. This variant has not been reported in the literature in individuals affected with RECQL4-related conditions. This variant is not present in population databases (gnomAD no frequency). This sequence change replaces histidine, which is basic and polar, with glutamine, which is neutral and polar, at codon 1078 of the RECQL4 protein (p.His1078Gln).

NM_004260.4(RECQL4):c.3234C>A (p.His1078Gln)

Gene: RECQL4 (RecQ like helicase 4; minus strand). Cytogenetic location: 8q24.3.
Variant type: single nucleotide variant.
Coding change: c.3234C>A on transcript NM_004260.4 (MANE Select); coding-DNA position 3234, C replaced by A.
Protein change: p.His1078Gln; replaces histidine 1078 with glutamine.
Molecular consequence: missense variant. On other transcripts: non-coding transcript variant (3).
Genome position (GRCh38, 1-based): chr8:144,512,146, G>T on the plus strand (C>A on the coding strand, the complement: RECQL4 is on the minus strand). VCF-style: chr8-144512146-G-T. GRCh37 (hg19) VCF-style: chr8-145737529-G-T.
Other names: c.2940C>A, p.His980Gln (NM_001413017.1); c.3036C>A, p.His1012Gln (NM_001413018.1); c.3309C>A, p.His1103Gln (NM_001413019.1); c.3138C>A, p.His1046Gln (NM_001413020.1); c.2163C>A, p.His721Gln (NM_001413021.1, NM_001413022.1, NM_001413024.1 and 4 more transcripts); c.2238C>A, p.His746Gln (NM_001413023.1); c.3105C>A, p.His1035Gln (NM_001413025.1); c.2097C>A, p.His699Gln (NM_001413027.1, NM_001413030.1, NM_001413032.1); and 9 more; short protein forms H1035Q, H677Q, H980Q, H1012Q, H1046Q, H1078Q, H589Q, H961Q.
Identifiers: ClinVar variation 2760066 (VCV002760066.3), dbSNP rs2537976724, ClinGen allele CA372669612.